The following is an entry in ClinVar:

ClinVar aggregate classification (germline): Uncertain significance (1 of 4 stars; one submission).

Conditions:
Brugada syndrome. Also called: Sudden Unexplained Death Syndrome; Sudden Unexplained Nocturnal Death Syndrome (SUNDS); Sudden unexpected nocturnal death syndrome; Sudden unexplained nocturnal death syndrome. Identifiers: Orphanet 130, MedGen C1142166, MONDO:0015263.

Allele frequency attached by ClinVar (database versions not stated): gnomAD exomes below 0.00001 and 0.00002; gnomAD 0.00001; TOPMed 0.00001.
gnomAD v4.1: 24 of 1,612,130 alleles (0.0015%); highest among the groups gnomAD compares: Non-Finnish European, 0.002%; no homozygotes.

Submission:

Labcorp Genetics (formerly Invitae), Labcorp
Classification: Uncertain significance for Brugada syndrome. Last evaluated: 2019-02-08. Review status: criteria provided, single submitter. Criteria: Invitae Variant Classification Sherloc (09022015). Collection method: clinical testing. Allele origin: germline.
Comment: This sequence change affects codon 1000 of the SCN10A mRNA. It is a 'silent' change, meaning that it does not change the encoded amino acid sequence of the SCN10A protein. This variant is not present in population databases (ExAC no frequency). This variant has not been reported in the literature in individuals with SCN10A-related conditions. Algorithms developed to predict the effect of sequence changes on RNA splicing suggest that this variant may create or strengthen a splice site, but this prediction has not been confirmed by published transcriptional studies. In summary, the available evidence is currently insufficient to determine the role of this variant in disease. Therefore, it has been classified as a Variant of Uncertain Significance.

NM_006514.4(SCN10A):c.3000T>A (p.Ala1000=)

Genes: SCN10A (sodium voltage-gated channel alpha subunit 10; minus strand), LOC110121288 (VISTA enhancer hs2268; plus strand). Cytogenetic location: 3p22.2.
Variant type: single nucleotide variant.
Coding change: c.3000T>A on transcript NM_006514.4 (MANE Select); coding-DNA position 3000, T replaced by A.
Protein change: p.Ala1000=; no amino-acid change (alanine 1000 retained).
Molecular consequence: synonymous variant.
Genome position (GRCh38, 1-based): chr3:38,726,693, A>T on the plus strand (T>A on the coding strand, the complement: SCN10A is on the minus strand). VCF-style: chr3-38726693-A-T. GRCh37 (hg19) VCF-style: chr3-38768184-A-T.
Other names: c.3000T>A, p.Ala1000= (NM_001293306.2); c.2706T>A, p.Ala902= (NM_001293307.2).
Identifiers: ClinVar variation 863994 (VCV000863994.1), dbSNP rs778351672, ClinGen allele CA72960466.